The following is an entry in ClinVar:

NC_000002.12:g.178584582G>C

Genes: TTN (titin; minus strand), TTN-AS1 (TTN antisense RNA 1; plus strand). Cytogenetic location: 2q31.2.
Variant type: single nucleotide variant.
Molecular consequence: intron variant (on NM_001267550.2). On other transcripts: non-coding transcript variant (1).
Genome position: GRCh38 VCF-style: chr2-178584582-G-C. GRCh37 (hg19) VCF-style: chr2-179449309-G-C.
Other names: c.64973-4C>G (NM_001267550.2); c.60050-4C>G (NM_001256850.1); c.37778-4C>G (NM_003319.4); c.38354-4C>G (NM_133437.4); c.38153-4C>G (NM_133432.3); c.57269-4C>G (NM_133378.4).
Identifiers: ClinVar variation 392742 (VCV000392742.21), dbSNP rs369934310, ClinGen allele CA1991804.
Genomic context (GRCh38, chr2:178,584,582, plus strand): 5'-AAATACAGTCCTTGTTGACTTTGGTGACTCGTGCATTCTTTGGTTCACTAGGAACACCTG[G>C]AGATGAAGACAAGGAAGATGTCAGTTTCTACATTAAGTAACAAACTAGAAAGAAAACAAC-3'

ClinVar aggregate classification (germline): Likely benign. Review status: criteria provided, multiple submitters, no conflicts (2 of 4 stars). 5 submissions from 5 submitters: Likely benign (5). Last evaluated 2025-12-22.

Conditions:
Cardiovascular phenotype. Identifiers: MedGen CN230736.
Autosomal recessive limb-girdle muscular dystrophy type 2J (LGMDR10). Also called: Limb-girdle muscular dystrophy, type 2J; MUSCULAR DYSTROPHY, LIMB-GIRDLE, AUTOSOMAL RECESSIVE 10. Identifiers: Orphanet 140922, MedGen C1837342, MONDO:0012127, OMIM 608807.
Dilated cardiomyopathy 1G (CMD1G). Identifiers: Orphanet 154, MedGen C1858763, MONDO:0011400, OMIM 604145.

Allele frequency attached by ClinVar (database versions not stated): gnomAD 0.00003 and 0.00004; gnomAD exomes 0.00003 and 0.00004; ExAC 0.00004; ESP Exome Variant Server 0.00008.
gnomAD v4.1: 64 of 1,611,260 alleles (0.004%); highest among the groups gnomAD compares: Non-Finnish European, 0.0046%; no homozygotes.

Submissions (5):

Labcorp Genetics (formerly Invitae), Labcorp
Classification: Likely benign for Dilated cardiomyopathy 1G; Autosomal recessive limb-girdle muscular dystrophy type 2J. Last evaluated: 2025-12-22. Review status: criteria provided, single submitter. Criteria: Invitae Variant Classification Sherloc (09022015). Collection method: clinical testing. Allele origin: germline.

Blueprint Genetics
Classification: Likely benign. Last evaluated: 2024-06-17. Review status: criteria provided, single submitter. Criteria: ACMG Guidelines, 2015. Collection method: clinical testing. Allele origin: germline.

Ambry Genetics
Classification: Likely benign for Cardiovascular phenotype. Last evaluated: 2023-08-09. Review status: criteria provided, single submitter. Criteria: Ambry Variant Classification Scheme 2023. Collection method: clinical testing. Allele origin: germline.

ARUP Laboratories, Molecular Genetics and Genomics, ARUP Laboratories
Classification: Likely benign. Last evaluated: 2019-05-02. Review status: criteria provided, single submitter. Criteria: ARUP Molecular Germline Variant Investigation Process. Collection method: clinical testing. Allele origin: germline.

GeneDx
Classification: Likely benign. Last evaluated: 2017-01-13. Review status: criteria provided, single submitter. Criteria: GeneDx Variant Classification (06012015). Collection method: clinical testing. Allele origin: germline. Affected: yes.
Comment: This variant is considered likely benign or benign based on one or more of the following criteria: it is a conservative change, it occurs at a poorly conserved position in the protein, it is predicted to be benign by multiple in silico algorithms, and/or has population frequency not consistent with disease.